The following is an entry in ClinVar:

ClinVar aggregate classification (germline): Uncertain significance (1 of 4 stars; one submission).

Allele frequency attached by ClinVar (database versions not stated): ExAC 0.00003; gnomAD exomes below 0.00001 and 0.00002; gnomAD 0.00001; TOPMed 0.00001.
gnomAD v4.1: 10 of 1,614,104 alleles (0.00062%); highest among the groups gnomAD compares: South Asian, 0.0033%; no homozygotes.

Submission:

Labcorp Genetics (formerly Invitae), Labcorp
Classification: Uncertain significance. Last evaluated: 2021-03-08. Review status: criteria provided, single submitter. Criteria: Invitae Variant Classification Sherloc (09022015). Collection method: clinical testing. Allele origin: germline.
Comment: This sequence change replaces valine with methionine at codon 564 of the KL protein (p.Val564Met). The valine residue is weakly conserved and there is a small physicochemical difference between valine and methionine. This variant is present in population databases (rs766985910, ExAC 0.01%). This variant has not been reported in the literature in individuals with KL-related conditions. Algorithms developed to predict the effect of missense changes on protein structure and function output the following: SIFT: "Tolerated"; PolyPhen-2: "Benign"; Align-GVGD: "Class C0". The methionine amino acid residue is found in multiple mammalian species, suggesting that this missense change does not adversely affect protein function. These predictions have not been confirmed by published functional studies and their clinical significance is uncertain. In summary, the available evidence is currently insufficient to determine the role of this variant in disease. Therefore, it has been classified as a Variant of Uncertain Significance.

NM_004795.4(KL):c.1690G>A (p.Val564Met)

Gene: KL (klotho; plus strand). Cytogenetic location: 13q13.1.
Variant type: single nucleotide variant.
Coding change: c.1690G>A on transcript NM_004795.4 (MANE Select); coding-DNA position 1690, G replaced by A.
Protein change: p.Val564Met; replaces valine 564 with methionine.
Molecular consequence: missense variant.
Genome position (GRCh38, 1-based): chr13:33,060,769, G>A. VCF-style: chr13-33060769-G-A. GRCh37 (hg19) VCF-style: chr13-33634906-G-A.
Other names: short protein forms V564M.
Identifiers: ClinVar variation 1440884 (VCV001440884.8), dbSNP rs766985910, ClinGen allele CA6944164.